The following is an entry in ClinVar:

NM_022168.4(IFIH1):c.3013G>A (p.Glu1005Lys)

Gene: IFIH1 (interferon induced with helicase C domain 1; minus strand). Cytogenetic location: 2q24.2.
Variant type: single nucleotide variant.
Coding change: c.3013G>A on transcript NM_022168.4 (MANE Select); coding-DNA position 3013, G replaced by A.
Protein change: p.Glu1005Lys; replaces glutamic acid 1005 with lysine.
Molecular consequence: missense variant.
Genome position (GRCh38, 1-based): chr2:162,267,265, C>T on the plus strand (G>A on the coding strand, the complement: IFIH1 is on the minus strand). VCF-style: chr2-162267265-C-T. GRCh37 (hg19) VCF-style: chr2-163123775-C-T.
Other names: short protein forms E1005K.
Identifiers: ClinVar variation 3749528 (VCV003749528.2).

ClinVar aggregate classification (germline): Uncertain significance (1 of 4 stars; one submission).

Conditions:
Aicardi-Goutieres syndrome 7 (AGS7). Identifiers: Orphanet 51, MedGen C3888244, MONDO:0014367, OMIM 615846.
Singleton-Merten syndrome 1 (SGMRT1). Also called: Widened medullary cavities of bone, aortic calcification, abnormal dentition, and muscular weakness; Syndrome of widened medullary cavities of the metacarpals and phalanges, aortic calcification and abnormal dentition. Identifiers: Orphanet 85191, MedGen C4225427, MONDO:0024535, OMIM 182250.

gnomAD v4.1: 1 of 1,611,782 alleles (0.000062%); highest among the groups gnomAD compares: Non-Finnish European, 0.000085%; no homozygotes.

Submission:

Labcorp Genetics (formerly Invitae), Labcorp
Classification: Uncertain significance for Aicardi-Goutieres syndrome 7; Singleton-Merten syndrome 1. Last evaluated: 2024-09-30. Review status: criteria provided, single submitter. Criteria: Invitae Variant Classification Sherloc (09022015). Collection method: clinical testing. Allele origin: germline.
Comment: This sequence change replaces glutamic acid, which is acidic and polar, with lysine, which is basic and polar, at codon 1005 of the IFIH1 protein (p.Glu1005Lys). This variant is not present in population databases (gnomAD no frequency). This variant has not been reported in the literature in individuals affected with IFIH1-related conditions. Invitae Evidence Modeling of protein sequence and biophysical properties (such as structural, functional, and spatial information, amino acid conservation, physicochemical variation, residue mobility, and thermodynamic stability) has been performed for this missense variant. However, the output from this modeling did not meet the statistical confidence thresholds required to predict the impact of this variant on IFIH1 protein function. In summary, the available evidence is currently insufficient to determine the role of this variant in disease. Therefore, it has been classified as a Variant of Uncertain Significance.